The following is an entry in ClinVar:

ClinVar aggregate classification (germline): Likely benign (1 of 4 stars; one submission).

Allele frequency attached by ClinVar (database versions not stated): gnomAD 0.00001 and 0.00003; TOPMed 0.00001 and 0.00002.

Submission:

GeneDx
Classification: Likely benign. Last evaluated: 2015-10-15. Review status: criteria provided, single submitter. Criteria: GeneDx Variant Classification (06012015). Collection method: clinical testing. Allele origin: germline. Affected: yes.
Comment: This variant is considered likely benign or benign based on one or more of the following criteria: it is a conservative change, it occurs at a poorly conserved position in the protein, it is predicted to be benign by multiple in silico algorithms, and/or has population frequency not consistent with disease.

NM_001330078.2(NRXN1):c.3365-110014del

Gene: NRXN1 (neurexin 1; minus strand). Cytogenetic location: 2p16.3.
Variant type: Deletion.
Coding change: c.3365-110014del on transcript NM_001330078.2 (MANE Select); 110014 bases into the intron before coding-DNA position 3365, one base deleted (T; older notation c.3365-110014delT).
Molecular consequence: intron variant. On other transcripts: 5 prime UTR variant (4).
Genome position (GRCh38, 1-based): chr2:50,346,984, A deleted on the plus strand (T on the coding strand, the reverse complement: NRXN1 is on the minus strand). VCF-style (leftmost placement, unchanged base first): chr2-50346983-GA-G. GRCh37 (hg19) VCF-style: chr2-50574121-GA-G.
Other names: c.-35del (NM_001330091.2, NM_001330092.2, NM_001330097.2 and 1 more transcripts); c.3254-110014del (NM_001330096.2, NM_001330087.2); c.3299-110014del (NM_001330083.2, NM_001330084.2); c.3284-110014del (NM_001330088.2); c.3362-110014del (NM_001330093.2); c.3353-110014del (NM_001330094.2); c.3314-110014del (NM_001330095.2); c.3341-110014del (NM_001330082.2, NM_001330077.2); and 3 more.
Identifiers: ClinVar variation 419906 (VCV000419906.1), dbSNP rs1064794179, ClinGen allele CA16617738.